The following is an entry in ClinVar:

NM_001378615.1(CC2D2A):c.156C>T (p.Ser52=)

Genes: CC2D2A (coiled-coil and C2 domain containing 2A; plus strand), FBXL5 (F-box and leucine rich repeat protein 5; minus strand). Cytogenetic location: 4p15.32.
Variant type: single nucleotide variant.
Coding change: c.156C>T on transcript NM_001378615.1 (MANE Select); coding-DNA position 156, C replaced by T.
Protein change: p.Ser52=; no amino-acid change (serine 52 retained).
Molecular consequence: synonymous variant. On other transcripts: nonsense (1).
Genome position (GRCh38, 1-based): chr4:15,480,736, C>T. VCF-style: chr4-15480736-C-T. GRCh37 (hg19) VCF-style: chr4-15482360-C-T.
Other names: p.Ser52=; c.156C>T, p.Ser52= (NM_001080522.2, NM_001164720.3); c.9C>T, p.Ser3= (NM_001378617.1); c.262C>T, p.Arg88Ter (NM_020785.2); short protein forms R88*.
Identifiers: ClinVar variation 126229 (VCV000126229.31), dbSNP rs1861050, ClinGen allele CA150852.
Genomic context (GRCh38, chr4:15,480,736, plus strand): 5'-CTCTGAACCTCTGACCTTCTTCCTCCAGCCACCAACTGCTGTCCCCAAGGAAATGGTGTC[C>T]GAAAAATCCCACCTTGGCAACCCCCAGGAGCCTGTGCAGGAGGAGCCCAAGACCCGCCTC-3'
Protein context (NP_001365544.1, residues 42-62): PPTAVPKEMV[Ser52=]EKSHLGNPQE

ClinVar aggregate classification (germline): Benign. Review status: criteria provided, multiple submitters, no conflicts (2 of 4 stars). 14 submissions from 13 submitters: Benign (10). 4 of the submissions do not count toward it. Last evaluated 2026-02-04.

Conditions:
Meckel-Gruber syndrome. Also called: DYSENCEPHALIA SPLANCHNOCYSTICA; GRUBER SYNDROME; Dysencephalia splachnocystica. Identifiers: Orphanet 564, MedGen C0265215, MONDO:0018921.
Joubert syndrome. Also called: Familial aplasia of the vermis; JOUBERT-BOLTSHAUSER SYNDROME. Identifiers: Orphanet 475, MedGen C5979921, MONDO:0018772.
Meckel syndrome, type 6. Identifiers: Orphanet 564, MedGen C2676790, MONDO:0012848, OMIM 612284.
Joubert syndrome 9 (JBTS9). Identifiers: Orphanet 2318, MedGen C2676788, MONDO:0012849, OMIM 612285.
Joubert syndrome 1 (JBTS1). Also called: CEREBELLOPARENCHYMAL DISORDER IV; Cerebellooculorenal syndrome 1. Identifiers: MedGen C4551568, MONDO:0008944, OMIM 213300.

Allele frequency attached by ClinVar (database versions not stated): gnomAD exomes 0.05038 and 0.08646; ESP Exome Variant Server 0.05665; gnomAD 0.07770 and 0.07873; ExAC 0.08823; TOPMed 0.09037; 1000 Genomes Project 0.11881; 1000 Genomes Project 30x 0.12024.
gnomAD v4.1: 85,694 of 1,610,996 alleles (5.3%); highest among the groups gnomAD compares: Admixed American, 24%; 4,240 homozygotes.

Submissions (14):

Labcorp Genetics (formerly Invitae), Labcorp
Classification: Benign for Joubert syndrome; Meckel-Gruber syndrome. Last evaluated: 2026-02-04. Review status: criteria provided, single submitter. Criteria: Invitae Variant Classification Sherloc (09022015). Collection method: clinical testing. Allele origin: germline.

Mayo Clinic Laboratories, Mayo Clinic
Classification: Benign. Last evaluated: 2025-01-07. Review status: criteria provided, single submitter. Criteria: ACMG Guidelines, 2015. Collection method: clinical testing. Allele origin: germline. Observed: 150 variant alleles.

Blueprint Genetics
Classification: Benign. Last evaluated: 2024-11-26. Review status: criteria provided, single submitter. Criteria: ACMG Guidelines, 2015. Collection method: clinical testing. Allele origin: germline.

Athena Diagnostics
Classification: Benign. Last evaluated: 2023-10-09. Review status: criteria provided, single submitter. Criteria: Athena Diagnostics Criteria. Collection method: clinical testing. Allele origin: unknown.

Mendelics
Classification: Benign for Joubert syndrome 1. Last evaluated: 2019-05-28. Review status: criteria provided, single submitter. Criteria: Mendelics Assertion Criteria 2017. Collection method: clinical testing. Allele origin: unknown.

Illumina Laboratory Services, Illumina
Classification: Benign for Joubert syndrome 9. Last evaluated: 2018-01-12. Review status: criteria provided, single submitter. Criteria: ICSL Variant Classification Criteria 13 December 2019. Collection method: clinical testing. Allele origin: germline.
Comment: This variant was observed in the ICSL laboratory as part of a predisposition screen in an ostensibly healthy population. It had not been previously curated by ICSL or reported in the Human Gene Mutation Database (HGMD: prior to June 1st, 2018), and was therefore a candidate for classification through an automated scoring system. Utilizing variant allele frequency, disease prevalence and penetrance estimates, and inheritance mode, an automated score was calculated to assess if this variant is too frequent to cause the disease. Based on the score and internal cut-off values, a variant classified as benign is not then subjected to further curation. The score for this variant resulted in a classification of benign for this disease.

Illumina Laboratory Services, Illumina
Classification: Benign for Meckel syndrome, type 6. Last evaluated: 2018-01-12. Review status: criteria provided, single submitter. Criteria: ICSL Variant Classification Criteria 13 December 2019. Collection method: clinical testing. Allele origin: germline.
Comment: the same text as in the submission from Illumina Laboratory Services, Illumina above.

GeneDx
Classification: Benign. Last evaluated: 2015-03-03. Review status: criteria provided, single submitter. Criteria: GeneDx Variant Classification Process June 2021. Collection method: clinical testing. Allele origin: germline. Affected: yes.
Comment: This variant is associated with the following publications: (PMID: 23352160, 27535653)

Breakthrough Genomics
Classification: Benign. Review status: criteria provided, single submitter. Criteria: ACMG Guidelines, 2015. Collection method: not provided. Allele origin: germline. Inheritance: Autosomal recessive inheritance. Affected: yes.

PreventionGenetics, part of Exact Sciences
Classification: Benign. Review status: criteria provided, single submitter. Criteria: ACMG Guidelines, 2015. Collection method: clinical testing. Allele origin: germline.

Clinical Genetics DNA and cytogenetics Diagnostics Lab, Erasmus MC, Erasmus Medical Center
Classification: Benign. Review status: no assertion criteria provided. Collection method: clinical testing. Allele origin: germline. Affected: yes. Study: VKGL Data-share Consensus. Not counted in ClinVar's aggregate classification.

Genetic Services Laboratory, University of Chicago
Classification: Likely benign for AllHighlyPenetrant. Review status: no assertion criteria provided. Collection method: clinical testing. Allele origin: germline. Inheritance: Autosomal recessive inheritance. Observed: 93 variant alleles. Not counted in ClinVar's aggregate classification.
Comment: Likely benign based on allele frequency in 1000 Genomes Project or ESP global frequency and its presence in a patient with a rare or unrelated disease phenotype. NOT Sanger confirmed.

Genome Diagnostics Laboratory, University Medical Center Utrecht
Classification: Benign. Review status: no assertion criteria provided. Collection method: clinical testing. Allele origin: germline. Affected: yes. Study: VKGL Data-share Consensus. Not counted in ClinVar's aggregate classification.

Joint Genome Diagnostic Labs from Nijmegen and Maastricht, Radboudumc and MUMC+
Classification: Benign. Review status: no assertion criteria provided. Collection method: clinical testing. Allele origin: germline. Affected: yes. Study: VKGL Data-share Consensus. Not counted in ClinVar's aggregate classification.